The following is an entry in ClinVar:

ClinVar aggregate classification (germline): Uncertain significance. Review status: criteria provided, multiple submitters, no conflicts (2 of 4 stars). 3 submissions from 3 submitters: Uncertain significance (2). 1 of the submissions does not count toward it. Last evaluated 2025-10-29.

Conditions:
Epidermolysis bullosa simplex with nail dystrophy (EBS5D). Identifiers: MedGen C4225309, MONDO:0014661, OMIM 616487.
Epidermolysis bullosa simplex 5C, with pyloric atresia (EBS5C). Also called: PLEC-Related Epidermolysis Bullosa with Pyloric Atresia; Epidermolysis bullosa simplex with pyloric atresia; PLEC1-Related Epidermolysis Bullosa with Pyloric Atresia. Identifiers: Orphanet 158684, MedGen C2677349, MONDO:0012807, OMIM 612138.
Epidermolysis bullosa simplex 5B, with muscular dystrophy (EBS5B). Also called: EPIDERMOLYSIS BULLOSA SIMPLEX AND LIMB-GIRDLE MUSCULAR DYSTROPHY; Epidermolysis bullosa simplex with muscular dystrophy. Identifiers: Orphanet 257, MedGen C2931072, MONDO:0009181, OMIM 226670.
Epidermolysis bullosa simplex, Ogna type (EBS5A). Also called: Pidermolysis bullosa simplex 5A, Ogna type; EPIDERMOLYSIS BULLOSA SIMPLEX 5A, OGNA TYPE. Identifiers: Orphanet 79401, MedGen C0432317, MONDO:0007555, OMIM 131950.
Autosomal recessive limb-girdle muscular dystrophy type 2Q (LGMDR17). Also called: MUSCULAR DYSTROPHY, LIMB-GIRDLE, AUTOSOMAL RECESSIVE 17. Identifiers: Orphanet 254361, MedGen C3150989, MONDO:0013390, OMIM 613723.
PLEC-related disorder. Also called: PLEC-related condition; PLEC-related disorders.

Allele frequency attached by ClinVar (database versions not stated): gnomAD 0.00001.
gnomAD v4.1: 54 of 1,601,120 alleles (0.0034%); highest among the groups gnomAD compares: Non-Finnish European, 0.0039%; no homozygotes.

Submissions (3):

Labcorp Genetics (formerly Invitae), Labcorp
Classification: Uncertain significance for Autosomal recessive limb-girdle muscular dystrophy type 2Q; Epidermolysis bullosa simplex, Ogna type; Epidermolysis bullosa simplex with nail dystrophy; Epidermolysis bullosa simplex 5C, with pyloric atresia; Epidermolysis bullosa simplex 5B, with muscular dystrophy. Last evaluated: 2025-10-29. Review status: criteria provided, single submitter. Criteria: Invitae Variant Classification Sherloc (09022015). Collection method: clinical testing. Allele origin: germline.
Comment: This sequence change replaces arginine, which is basic and polar, with tryptophan, which is neutral and slightly polar, at codon 2176 of the PLEC protein (p.Arg2176Trp). The frequency data for this variant in the population databases is considered unreliable, as metrics indicate poor data quality at this position in the gnomAD database. This variant has not been reported in the literature in individuals affected with PLEC-related conditions. ClinVar contains an entry for this variant (Variation ID: 1425554). An algorithm developed to predict the effect of missense changes on protein structure and function (PolyPhen-2) suggests that this variant is likely to be tolerated. In summary, the available evidence is currently insufficient to determine the role of this variant in disease. Therefore, it has been classified as a Variant of Uncertain Significance.

Mayo Clinic Laboratories, Mayo Clinic
Classification: Uncertain significance. Last evaluated: 2023-09-19. Review status: criteria provided, single submitter. Criteria: ACMG Guidelines, 2015. Collection method: clinical testing. Allele origin: germline. Observed: 2 variant alleles.

PreventionGenetics, part of Exact Sciences
Classification: Uncertain significance for PLEC-related condition. Last evaluated: 2024-04-24. Review status: no assertion criteria provided. Collection method: clinical testing. Allele origin: germline. Not counted in ClinVar's aggregate classification.
Comment: The PLEC c.6526C>T variant is predicted to result in the amino acid substitution p.Arg2176Trp. To our knowledge, this variant has not been reported in the literature. This variant is reported in 0.0049% of alleles in individuals of European (Finnish) descent in gnomAD. At this time, the clinical significance of this variant is uncertain due to the absence of conclusive functional and genetic evidence.

NM_201384.3(PLEC):c.6445C>T (p.Arg2149Trp)

Gene: PLEC (plectin; minus strand). Cytogenetic location: 8q24.3.
Variant type: single nucleotide variant.
Coding change: c.6445C>T on transcript NM_201384.3 (MANE Select); coding-DNA position 6445, C replaced by T.
Protein change: p.Arg2149Trp; replaces arginine 2149 with tryptophan.
Molecular consequence: missense variant.
Genome position (GRCh38, 1-based): chr8:143,923,484, G>A on the plus strand (C>T on the coding strand, the complement: PLEC is on the minus strand). VCF-style: chr8-143923484-G-A. GRCh37 (hg19) VCF-style: chr8-144997652-G-A.
Other names: p.Arg2176Trp; c.6526C>T, p.Arg2176Trp (NM_000445.5); c.6403C>T, p.Arg2135Trp (NM_201378.4); c.6379C>T, p.Arg2127Trp (NM_201379.3); c.6856C>T, p.Arg2286Trp (NM_201380.4); c.6349C>T, p.Arg2117Trp (NM_201381.3); c.6445C>T, p.Arg2149Trp (NM_201382.4); c.6457C>T, p.Arg2153Trp (NM_201383.3); and 1 more; short protein forms R2135W, R2153W, R2117W, R2127W, R2149W, R2176W, R2286W.
Identifiers: ClinVar variation 1425554 (VCV001425554.8), dbSNP rs751469179, ClinGen allele CA187614304.
Genomic context (GRCh38, chr8:143,923,484, plus strand): 5'-TCTCCATCTCCGCGTCAGCTGCCTGCTTCTGCCGCAGGGCCGCCTGCTCCGCCTGTGCCC[G>A]CCGCGCCGCCTCTTGCTCGGCCTCCTTGCGCAGCTTCTCTGCAGCCGCCTGTGCCTGAGC-3'
Protein context (NP_958786.1, residues 2139-2159): RKEAEQEAAR[Arg2149Trp]AQAEQAALRQ